The following is an entry in ClinVar:

NM_000051.4(ATM):c.3993+3A>T

Gene: ATM (ATM serine/threonine kinase; plus strand). Cytogenetic location: 11q22.3.
Variant type: single nucleotide variant.
Coding change: c.3993+3A>T on transcript NM_000051.4 (MANE Select); 3 bases into the intron after coding-DNA position 3993, A replaced by T.
Molecular consequence: intron variant.
Genome position (GRCh38, 1-based): chr11:108,284,476, A>T. VCF-style: chr11-108284476-A-T. GRCh37 (hg19) VCF-style: chr11-108155203-A-T.
Other names: c.3993+3A>T (NM_001351834.2).
Identifiers: ClinVar variation 1736783 (VCV001736783.3), dbSNP rs771789242, ClinGen allele CA2574726390.

ClinVar aggregate classification (germline): Uncertain significance (1 of 4 stars; one submission).

Conditions:
Hereditary cancer-predisposing syndrome. Also called: Tumor predisposition; Hereditary Cancer Syndrome; Hereditary neoplastic syndrome; Neoplastic Syndromes, Hereditary. Identifiers: Orphanet 140162, MedGen C0027672, MeSH D009386, MONDO:0015356.

Submission:

Ambry Genetics
Classification: Uncertain significance for Hereditary cancer-predisposing syndrome. Last evaluated: 2026-02-06. Review status: criteria provided, single submitter. Criteria: Ambry Variant Classification Scheme 2023. Collection method: clinical testing. Allele origin: germline.
Comment: The c.3993+3A>T intronic variant results from an A to T substitution 3 nucleotides after coding exon 25 in the ATM gene. This nucleotide position is well conserved in available vertebrate species. In silico splice site analysis for this alteration is inconclusive. Based on the available evidence, the clinical significance of this variant remains unclear.